The following is an entry in ClinVar:

NM_017934.7(PHIP):c.2444G>A (p.Gly815Asp)

Gene: PHIP (PHIP subunit of CUL4-Ring ligase complex; minus strand). Cytogenetic location: 6q14.1.
Variant type: single nucleotide variant.
Coding change: c.2444G>A on transcript NM_017934.7 (MANE Select); coding-DNA position 2444, G replaced by A.
Protein change: p.Gly815Asp; replaces glycine 815 with aspartic acid.
Molecular consequence: missense variant.
Genome position (GRCh38, 1-based): chr6:78,988,225, C>T on the plus strand (G>A on the coding strand, the complement: PHIP is on the minus strand). VCF-style: chr6-78988225-C-T. GRCh37 (hg19) VCF-style: chr6-79697942-C-T.
Other names: short protein forms G815D.
Identifiers: ClinVar variation 2868924 (VCV002868924.3), dbSNP rs1484526877, ClinGen allele CA364650626.

ClinVar aggregate classification (germline): Uncertain significance (1 of 4 stars; one submission).

Allele frequency attached by ClinVar (database versions not stated): gnomAD exomes below 0.00001.
gnomAD v4.1: 2 of 1,580,414 alleles (0.00013%); highest among the groups gnomAD compares: East Asian, 0.0046%; no homozygotes.

Submission:

Labcorp Genetics (formerly Invitae), Labcorp
Classification: Uncertain significance. Last evaluated: 2023-04-03. Review status: criteria provided, single submitter. Criteria: Invitae Variant Classification Sherloc (09022015). Collection method: clinical testing. Allele origin: germline.
Comment: This sequence change replaces glycine, which is neutral and non-polar, with aspartic acid, which is acidic and polar, at codon 815 of the PHIP protein (p.Gly815Asp). This variant is present in population databases (no rsID available, gnomAD 0.006%). This variant has not been reported in the literature in individuals affected with PHIP-related conditions. Advanced modeling of protein sequence and biophysical properties (such as structural, functional, and spatial information, amino acid conservation, physicochemical variation, residue mobility, and thermodynamic stability) performed at Invitae indicates that this missense variant is not expected to disrupt PHIP protein function. In summary, the available evidence is currently insufficient to determine the role of this variant in disease. Therefore, it has been classified as a Variant of Uncertain Significance.